The following is an entry in ClinVar:

ClinVar aggregate classification (germline): Uncertain significance (1 of 4 stars; one submission).

Allele frequency attached by ClinVar (database versions not stated): gnomAD exomes below 0.00001.
gnomAD v4.1: 1 of 1,614,250 alleles (0.000062%); highest among the groups gnomAD compares: Non-Finnish European, 0.000085%; no homozygotes.

Submission:

GeneDx
Classification: Uncertain significance. Last evaluated: 2019-09-12. Review status: criteria provided, single submitter. Criteria: GeneDx Variant Classification Process June 2021. Collection method: clinical testing. Allele origin: germline. Affected: yes.
Comment: Not observed in large population cohorts (Lek et al., 2016); In silico analysis, which includes protein predictors and evolutionary conservation, supports that this variant does not alter protein structure/function; however, splice predictors suggest this variant may impact gene splicing. In the absence of RNA/functional studies, the actual effect of this sequence change is unknown.; Has not been previously published as pathogenic or benign to our knowledge

NM_004369.4(COL6A3):c.5359G>A (p.Gly1787Arg)

Gene: COL6A3 (collagen type VI alpha 3 chain; minus strand). Cytogenetic location: 2q37.3.
Variant type: single nucleotide variant.
Coding change: c.5359G>A on transcript NM_004369.4 (MANE Select); coding-DNA position 5359, G replaced by A.
Protein change: p.Gly1787Arg; replaces glycine 1787 with arginine.
Molecular consequence: missense variant.
Genome position (GRCh38, 1-based): chr2:237,366,828, C>T on the plus strand (G>A on the coding strand, the complement: COL6A3 is on the minus strand). VCF-style: chr2-237366828-C-T. GRCh37 (hg19) VCF-style: chr2-238275471-C-T.
Other names: c.3538G>A, p.Gly1180Arg (NM_057166.5); c.4741G>A, p.Gly1581Arg (NM_057167.4); short protein forms G1180R, G1581R, G1787R.
Identifiers: ClinVar variation 1311931 (VCV001311931.2), dbSNP rs2106350453, ClinGen allele CA351187650.
Genomic context (GRCh38, chr2:237,366,828, plus strand): 5'-CGGACAGCTCCTGGACGTTGCCCACGCGGAACGCTGTGGCGCTGTTGGACGCTATCTTTC[C>T]AACCTCCTCCGAGTCGATATTCCTCACTCCAACAGCAAACACTTTGACCCCCCTCTGGGT-3'
Protein context (NP_004360.2, residues 1777-1797): GVRNIDSEEV[Gly1787Arg]KIASNSATAF